The following is an entry in ClinVar:

NM_001130144.3(LTBP3):c.3653C>T (p.Ser1218Leu)

Gene: LTBP3 (latent transforming growth factor beta binding protein 3; minus strand). Cytogenetic location: 11q13.1.
Variant type: single nucleotide variant.
Coding change: c.3653C>T on transcript NM_001130144.3 (MANE Select); coding-DNA position 3653, C replaced by T.
Protein change: p.Ser1218Leu; replaces serine 1218 with leucine.
Molecular consequence: missense variant.
Genome position (GRCh38, 1-based): chr11:65,539,435, G>A on the plus strand (C>T on the coding strand, the complement: LTBP3 is on the minus strand). VCF-style: chr11-65539435-G-A. GRCh37 (hg19) VCF-style: chr11-65306906-G-A.
Other names: c.3161C>T, p.Ser1054Leu (NM_001164266.1); c.3512C>T, p.Ser1171Leu (NM_021070.4); short protein forms S1218L, S1054L, S1171L.
Identifiers: ClinVar variation 1733616 (VCV001733616.3), dbSNP rs1448934789, ClinGen allele CA381266390.

ClinVar aggregate classification (germline): Uncertain significance. Review status: criteria provided, multiple submitters, no conflicts (2 of 4 stars). 2 submissions from 2 submitters: Uncertain significance (2). Last evaluated 2025-08-14.

Conditions:
Brachyolmia-amelogenesis imperfecta syndrome. Also called: Tooth agenesis, selective, 6; Dental anomalies and short stature; PLATYSPONDYLY WITH AMELOGENESIS IMPERFECTA. Identifiers: Orphanet 2899, MedGen C1832594, MONDO:0011018, OMIM 601216. Disease mechanism: loss of function.
Inborn genetic diseases. Identifiers: MedGen C0950123, MeSH D030342.

Allele frequency attached by ClinVar (database versions not stated): gnomAD 0.00001; gnomAD exomes 0.00001; TOPMed below 0.00001.

Submissions (2):

Labcorp Genetics (formerly Invitae), Labcorp
Classification: Uncertain significance for Brachyolmia-amelogenesis imperfecta syndrome. Last evaluated: 2025-08-14. Review status: criteria provided, single submitter. Criteria: Invitae Variant Classification Sherloc (09022015). Collection method: clinical testing. Allele origin: germline.
Comment: This sequence change replaces serine, which is neutral and polar, with leucine, which is neutral and non-polar, at codon 1218 of the LTBP3 protein (p.Ser1218Leu). This variant is not present in population databases (gnomAD no frequency). This variant has not been reported in the literature in individuals affected with LTBP3-related conditions. ClinVar contains an entry for this variant (Variation ID: 1733616). An algorithm developed to predict the effect of missense changes on protein structure and function (PolyPhen-2) suggests that this variant is likely to be tolerated. In summary, the available evidence is currently insufficient to determine the role of this variant in disease. Therefore, it has been classified as a Variant of Uncertain Significance.

Ambry Genetics
Classification: Uncertain significance for Inborn genetic diseases. Last evaluated: 2022-03-12. Review status: criteria provided, single submitter. Criteria: Ambry Variant Classification Scheme 2023. Collection method: clinical testing. Allele origin: germline.
Comment: The p.S1218L variant (also known as c.3653C>T), located in coding exon 27 of the LTBP3 gene, results from a C to T substitution at nucleotide position 3653. The serine at codon 1218 is replaced by leucine, an amino acid with dissimilar properties. This amino acid position is conserved. In addition, the in silico prediction for this alteration is inconclusive. Since supporting evidence is limited at this time, the clinical significance of this alteration remains unclear.